The following is an entry in ClinVar:

ClinVar aggregate classification (germline): Uncertain significance (1 of 4 stars; one submission).

Submission:

Clinical Genomics Laboratory, Washington University in St. Louis
Classification: Uncertain significance. Last evaluated: 2024-10-25. Review status: criteria provided, single submitter. Criteria: ACMG Guidelines, 2015. Collection method: clinical testing. Allele origin: germline.
Comment: The MEIS1 c.1025-1G>A variant, to our knowledge, has not been reported in the medical literature and is absent from the general population (gnomAD v.2.1.1), indicating it is not a common variant. This variant occurs within the canonical splice acceptor site, which is predicted to cause skipping of the exon, leading to an in-frame transcript. Note, this region is downstream of the homeobox domain, which allows MEIS1 to bind specifically to DNA (Turan RD et al., PMID: 32409701). Due to limited information, the clinical significance of this variant is uncertain.

NM_002398.3(MEIS1):c.1025-1G>A

Gene: MEIS1 (Meis homeobox 1; plus strand). Cytogenetic location: 2p14.
Variant type: single nucleotide variant.
Coding change: c.1025-1G>A on transcript NM_002398.3 (MANE Select); the canonical splice acceptor site of the intron before coding-DNA position 1025, G replaced by A.
Molecular consequence: splice acceptor variant.
Genome position (GRCh38, 1-based): chr2:66,568,666, G>A. VCF-style: chr2-66568666-G-A. GRCh37 (hg19) VCF-style: chr2-66795798-G-A.
Identifiers: ClinVar variation 3600380 (VCV003600380.1).